The following is an entry in ClinVar:

NM_000548.5(TSC2):c.1374A>G (p.Arg458=)

Gene: TSC2 (TSC complex subunit 2; plus strand). Cytogenetic location: 16p13.3.
Variant type: single nucleotide variant.
Coding change: c.1374A>G on transcript NM_000548.5 (MANE Select); coding-DNA position 1374, A replaced by G.
Protein change: p.Arg458=; no amino-acid change (arginine 458 retained).
Molecular consequence: synonymous variant. On other transcripts: non-coding transcript variant (5), intron variant (1).
Genome position (GRCh38, 1-based): chr16:2,062,984, A>G. VCF-style: chr16-2062984-A-G. GRCh37 (hg19) VCF-style: chr16-2112985-A-G.
Other names: c.1374A>G, p.Arg458= (NM_001077183.3, NM_001114382.3, NM_001363528.2 and 6 more transcripts); c.1263A>G, p.Arg421= (NM_001318827.2, NM_001406670.1, NM_001406678.1); c.1227A>G, p.Arg409= (NM_001318829.2, NM_001406675.1, NM_001406676.1 and 1 more transcripts); c.774A>G, p.Arg258= (NM_001318831.2, NM_001406680.1, NM_001406682.1 and 6 more transcripts); c.1407A>G, p.Arg469= (NM_001318832.2); c.1464A>G, p.Arg488= (NM_001406667.1, NM_001406668.1); c.1362A>G, p.Arg454= (NM_001406671.1, NM_001406673.1); c.1317A>G, p.Arg439= (NM_001406677.1); and 3 more.
Identifiers: ClinVar variation 4071081 (VCV004071081.1).

ClinVar aggregate classification (germline): Benign (1 of 4 stars; one submission).

Conditions:
Tuberous sclerosis 2 (TSC2). Identifiers: Orphanet 805, MedGen C1860707, MONDO:0013199, OMIM 613254.

Submission:

Myriad Genetics, Inc.
Classification: Benign for Tuberous sclerosis 2. Last evaluated: 2025-05-14. Review status: criteria provided, single submitter. Criteria: Myriad Autosomal Dominant, Autosomal Recessive and X-Linked Classification Criteria (2023). Collection method: clinical testing. Allele origin: unknown.
Comment: This variant is considered benign. This variant is a silent/synonymous amino acid change and it is not expected to impact splicing.